The following is an entry in ClinVar:

NM_001384732.1(CPLANE1):c.272dup (p.Asp91fs)

Gene: CPLANE1 (ciliogenesis and planar polarity effector complex subunit 1; minus strand). Cytogenetic location: 5p13.2.
Variant type: Duplication.
Coding change: c.272dup on transcript NM_001384732.1 (MANE Select); coding-DNA position 272, one base duplicated (A; older notation c.272dupA).
Protein change: p.Asp91fs; shifts the reading frame from aspartic acid 91.
Molecular consequence: frameshift variant.
Genome position (GRCh38, 1-based): chr5:37,245,544, T duplicated on the plus strand (A on the coding strand, the reverse complement: CPLANE1 is on the minus strand). VCF-style (leftmost placement, unchanged base first): chr5-37245543-A-AT. GRCh37 (hg19) VCF-style: chr5-37245645-A-AT.
Other names: c.272dup, p.Asp91fs (NM_023073.4); short protein forms D91fs.
Identifiers: ClinVar variation 4723377 (VCV004723377.1).

ClinVar aggregate classification (germline): Pathogenic (1 of 4 stars; one submission).

Submission:

Labcorp Genetics (formerly Invitae), Labcorp
Classification: Pathogenic. Last evaluated: 2025-11-17. Review status: criteria provided, single submitter. Criteria: Invitae Variant Classification Sherloc (09022015). Collection method: clinical testing. Allele origin: germline.
Comment: This sequence change creates a premature translational stop signal (p.Asp91Glufs*12) in the CPLANE1 gene. It is expected to result in an absent or disrupted protein product. Loss-of-function variants in CPLANE1 are known to be pathogenic (PMID: 24178751, 26092869). This variant is not present in population databases (gnomAD no frequency). This variant has not been reported in the literature in individuals affected with CPLANE1-related conditions. Algorithms developed to predict the effect of sequence changes on RNA splicing suggest that this variant may disrupt the consensus splice site. For these reasons, this variant has been classified as Pathogenic.

Literature cited by the submitters: PubMed 24178751; PubMed 26092869.